The following is an entry in ClinVar:

ClinVar aggregate classification (germline): Likely benign. Review status: criteria provided, multiple submitters, no conflicts (2 of 4 stars). 3 submissions from 3 submitters: Likely benign (2). 1 of the submissions does not count toward it. Last evaluated 2026-01-04.

Conditions:
Myofibrillar myopathy 5. Also called: Filaminopathy (type); FILAMINOPATHY, AUTOSOMAL DOMINANT. Identifiers: Orphanet 171445, MedGen C1836050, MONDO:0012289, OMIM 609524.
Hypertrophic cardiomyopathy 26. Also called: Cardiomyopathy, familial hypertrophic, 26. Identifiers: Orphanet 75249, MedGen C4310749, MONDO:0014883, OMIM 617047.
Distal myopathy with posterior leg and anterior hand involvement. Also called: WILLIAMS DISTAL MYOPATHY. Identifiers: Orphanet 63273, MedGen C3279722, MONDO:0013550, OMIM 614065.
FLNC-related disorder. Also called: FLNC-related disorders; FLNC-related condition.

Allele frequency attached by ClinVar (database versions not stated): ExAC 0.00003; gnomAD exomes 0.00003 and 0.00004; TOPMed 0.00003; gnomAD 0.00005 and 0.00006.
gnomAD v4.1: 48 of 1,612,812 alleles (0.003%); highest among the groups gnomAD compares: South Asian, 0.02%; no homozygotes.

Submissions (3):

Labcorp Genetics (formerly Invitae), Labcorp
Classification: Likely benign for Distal myopathy with posterior leg and anterior hand involvement; Myofibrillar myopathy 5; Hypertrophic cardiomyopathy 26. Last evaluated: 2026-01-04. Review status: criteria provided, single submitter. Criteria: Invitae Variant Classification Sherloc (09022015). Collection method: clinical testing. Allele origin: germline.

GeneDx
Classification: Likely benign. Last evaluated: 2021-01-07. Review status: criteria provided, single submitter. Criteria: GeneDx Variant Classification Process June 2021. Collection method: clinical testing. Allele origin: germline. Affected: yes.

PreventionGenetics, part of Exact Sciences
Classification: Likely benign for FLNC-related condition. Last evaluated: 2020-04-20. Review status: no assertion criteria provided. Collection method: clinical testing. Allele origin: germline. Not counted in ClinVar's aggregate classification.
Comment: This variant is classified as likely benign based on ACMG/AMP sequence variant interpretation guidelines (Richards et al. 2015 PMID: 25741868, with internal and published modifications).

NM_001458.5(FLNC):c.1211-6C>T

Gene: FLNC (filamin C; plus strand). Cytogenetic location: 7q32.1.
Variant type: single nucleotide variant.
Coding change: c.1211-6C>T on transcript NM_001458.5 (MANE Select); 6 bases into the intron before coding-DNA position 1211, C replaced by T.
Molecular consequence: intron variant.
Genome position (GRCh38, 1-based): chr7:128,838,597, C>T. VCF-style: chr7-128838597-C-T. GRCh37 (hg19) VCF-style: chr7-128478651-C-T.
Other names: c.1211-6C>T (NM_001127487.2).
Identifiers: ClinVar variation 539523 (VCV000539523.16), dbSNP rs745834917, ClinGen allele CA4474279.